The following is an entry in ClinVar:

NM_000053.4(ATP7B):c.1544-2A>G

Gene: ATP7B (ATPase copper transporting beta; minus strand). Cytogenetic location: 13q14.3.
Variant type: single nucleotide variant.
Coding change: c.1544-2A>G on transcript NM_000053.4 (MANE Select); the canonical splice acceptor site of the intron before coding-DNA position 1544, A replaced by G.
Molecular consequence: splice acceptor variant. On other transcripts: intron variant (3).
Genome position (GRCh38, 1-based): chr13:51,968,609, T>C on the plus strand (A>G on the coding strand, the complement: ATP7B is on the minus strand). VCF-style: chr13-51968609-T-C. GRCh37 (hg19) VCF-style: chr13-52542745-T-C.
Other names: c.1544-2A>G (NM_001406541.1, NM_001406531.1, NM_001406527.1 and 27 more transcripts); c.1448-2A>G (NM_001406543.1, NM_001406518.1, NM_001406544.1 and 3 more transcripts); c.1211-2A>G (NM_001243182.2); c.1285+5326A>G (NM_001406548.1); c.1544-35A>G (NM_001406524.1, NM_001406514.1); c.1115-2A>G (NM_001406539.1).
Identifiers: ClinVar variation 2679794 (VCV002679794.4), dbSNP rs1555294398, ClinGen allele CA388034544.

ClinVar aggregate classification (germline): Pathogenic/Likely pathogenic. Review status: criteria provided, multiple submitters, no conflicts (2 of 4 stars). 3 submissions from 3 submitters: Pathogenic (1); Likely pathogenic (2). Last evaluated 2024-10-30.

Conditions:
Wilson disease (WND). Also called: Wilson's disease. Identifiers: Orphanet 905, MedGen C0019202, MONDO:0010200, OMIM 277900. Disease mechanism: loss of function.

Submissions (3):

Natera, Inc.
Classification: Likely pathogenic for Wilson disease. Last evaluated: 2024-10-30. Review status: criteria provided, single submitter. Criteria: Natera Variant Classification Schema (03/2026). Collection method: clinical testing. Allele origin: germline.
Comment: The c.1544-2A>G variant in ATP7B is a canonical splice acceptor site variant predicted to affect pre-mRNA splicing, which may result in an abnormal transcript and altered protein product. This variant is expected to result in nonsense mediated decay, truncation, or a dysfunctional protein product. This variant is rare in the general population with a frequency below the threshold expected for the associated phenotype(s). Given the available evidence, this variant is classified as Likely Pathogenic.

Baylor Genetics
Classification: Pathogenic for Wilson disease. Last evaluated: 2024-03-20. Review status: criteria provided, single submitter. Criteria: ACMG Guidelines, 2015. Collection method: clinical testing. Allele origin: unknown.

All of Us Research Program, National Institutes of Health
Classification: Likely pathogenic for Wilson disease. Last evaluated: 2024-01-03. Review status: criteria provided, single submitter. Criteria: ACMG Guidelines, 2015. Collection method: clinical testing. Allele origin: germline. Inheritance: Autosomal recessive inheritance. Observed: 1 variant allele, 1 heterozygote.
Comment: This variant causes an A to G nucleotide substitution at the -2 position of intron 3 of the ATP7B gene. Splice site prediction tools predict that this variant may have a significant impact on RNA splicing. Although this prediction has not been confirmed in published RNA studies, this variant is expected to result in an absent or disrupted protein product. This variant has been reported in individuals affected with Wilson disease (PMID: 17949296, 36112267), including at least one biallelic individual (PMID: 36112267). This variant has not been identified in the general population by the Genome Aggregation Database (gnomAD). A different variant c.1544-2A>C at the same nucleotide position has been observed in an individual affected with Wilson disease (PMID: 22484412). Loss of ATP7B function is a known mechanism of disease. Based on the available evidence, this variant is classified as Likely Pathogenic.

This study involves interpretation of variants in research participants for the purpose of population health screening. Participant phenotype was not available at the time of variant classification. Additional details can be found in publication PMID: 35346344, PMCID: PMC8962531

Literature cited by the submitters: PubMed 17949296 (cited by All of Us Research Program, National Institutes of Health); PubMed 22484412 (cited by All of Us Research Program, National Institutes of Health); PubMed 36112267 (cited by All of Us Research Program, National Institutes of Health).